The following is an entry in ClinVar:

ClinVar aggregate classification (germline): Uncertain significance. Review status: criteria provided, multiple submitters, no conflicts (2 of 4 stars). 4 submissions from 4 submitters: Uncertain significance (3). 1 of the submissions does not count toward it. Last evaluated 2025-05-27.

Conditions:
Aicardi-Goutieres syndrome 4. Identifiers: Orphanet 51, MedGen C1835912, MONDO:0012472, OMIM 610333.

Allele frequency attached by ClinVar (database versions not stated): TOPMed 0.00003.
gnomAD v4.1: 125 of 1,613,584 alleles (0.0077%); highest among the groups gnomAD compares: Non-Finnish European, 0.0069%; no homozygotes.

Submissions (4):

Women's Health and Genetics/Laboratory Corporation of America, LabCorp
Classification: Uncertain significance. Last evaluated: 2025-05-27. Review status: criteria provided, single submitter. Criteria: LabCorp Variant Classification Summary - May 2015. Collection method: clinical testing. Allele origin: germline.
Comment: Variant summary: RNASEH2A c.635A>T (p.Asn212Ile) results in a non-conservative amino acid change located in the Ribonuclease HII/HIII domain (IPR024567) of the encoded protein sequence. Algorithms developed to predict the effect of missense changes on protein structure and function all suggest that this variant is likely to be disruptive. Consensus agreement among computation tools predict no significant impact on normal splicing. However, these predictions have yet to be confirmed by functional studies. The variant allele was found at a frequency of 0.00022 in 251418 control chromosomes. This frequency is not significantly higher than estimated for a pathogenic variant in RNASEH2A causing Aicardi Goutieres Syndrome (0.00022 vs 0.00025), allowing no conclusion about variant significance. c.635A>T has been reported in the literature in at least one compound heterozygous individual affected with Aicardi Goutieres Syndrome and heterozygous in affected individuals without a second variant identified (e.g. Rice_2013, Crow_2015). These data do not allow any conclusion about variant significance. At least one publication reports experimental evidence evaluating an impact on protein function, indicating that the variant had no significant impact on catalytic activity, although it did cause a small reduction in substrate binding affinity (Coffin_2011, Nishimura_2019). The following publications have been ascertained in the context of this evaluation (PMID: 21454563, 25604658, 31529068, 23592335). ClinVar contains an entry for this variant (Variation ID: 66069). Based on the evidence outlined above, the variant was classified as uncertain significance.

Blueprint Genetics
Classification: Uncertain significance. Last evaluated: 2024-09-24. Review status: criteria provided, single submitter. Criteria: ACMG Guidelines, 2015. Collection method: clinical testing. Allele origin: germline.

Labcorp Genetics (formerly Invitae), Labcorp
Classification: Uncertain significance for Aicardi-Goutieres syndrome 4. Last evaluated: 2022-07-06. Review status: criteria provided, single submitter. Criteria: Invitae Variant Classification Sherloc (09022015). Collection method: clinical testing. Allele origin: germline.
Comment: This sequence change replaces asparagine, which is neutral and polar, with isoleucine, which is neutral and non-polar, at codon 212 of the RNASEH2A protein (p.Asn212Ile). This variant is present in population databases (rs377244188, gnomAD 0.08%). This missense change has been observed in individual(s) with Aicardi Goutieres syndrome (PMID: 23592335). In at least one individual the data is consistent with being in trans (on the opposite chromosome) from a pathogenic variant. ClinVar contains an entry for this variant (Variation ID: 66069). Algorithms developed to predict the effect of missense changes on protein structure and function are either unavailable or do not agree on the potential impact of this missense change (SIFT: "Deleterious"; PolyPhen-2: "Probably Damaging"; Align-GVGD: "Class C15"). Experimental studies are conflicting or provide insufficient evidence to determine the effect of this variant on RNASEH2A function (PMID: 21454563, 31529068). In summary, the available evidence is currently insufficient to determine the role of this variant in disease. Therefore, it has been classified as a Variant of Uncertain Significance.

OMIM
Classification: Pathogenic for AICARDI-GOUTIERES SYNDROME 4. Last evaluated: 2011-05-13. Review status: no assertion criteria provided. Collection method: literature only. Allele origin: germline. Not counted in ClinVar's aggregate classification.

Literature cited by the submitters: PubMed 25604658 (cited by Women's Health and Genetics/Laboratory Corporation of America, LabCorp); PubMed 23592335 (cited by Women's Health and Genetics/Laboratory Corporation of America, LabCorp and Labcorp Genetics (formerly Invitae), Labcorp); PubMed 31529068 (cited by Women's Health and Genetics/Laboratory Corporation of America, LabCorp and Labcorp Genetics (formerly Invitae), Labcorp); PubMed 21454563 (cited by 3 submitters); PubMed 17846997 (cited by OMIM).

NM_006397.3(RNASEH2A):c.635A>T (p.Asn212Ile)

Gene: RNASEH2A (ribonuclease H2 subunit A; plus strand). Cytogenetic location: 19p13.13.
Variant type: single nucleotide variant.
Coding change: c.635A>T on transcript NM_006397.3 (MANE Select); coding-DNA position 635, A replaced by T.
Protein change: p.Asn212Ile; replaces asparagine 212 with isoleucine.
Molecular consequence: missense variant.
Genome position (GRCh38, 1-based): chr19:12,810,402, A>T. VCF-style: chr19-12810402-A-T. GRCh37 (hg19) VCF-style: chr19-12921216-A-T.
Other names: short protein forms N212I.
Identifiers: ClinVar variation 66069 (VCV000066069.10), dbSNP rs377244188, ClinGen allele CA264794.